The following is an entry in ClinVar:

ClinVar aggregate classification (germline): Conflicting classifications of pathogenicity. Review status: criteria provided, conflicting classifications (1 of 4 stars). 5 submissions from 5 submitters: Pathogenic (1); Likely pathogenic (2); Uncertain significance (1). 1 of the submissions does not count toward it. Last evaluated 2023-03-09.

Conditions:
Mucopolysaccharidosis, MPS-III-A (MPS3A). Also called: Mucopolysaccharidosis, type IIIA; MPS IIIA (Sanfilippo Syndrome Type A); MPS III A; SANFILIPPO SYNDROME A; SULFAMIDASE DEFICIENCY; Mucopolysaccharidosis type IIIA (Sanfilippo A). Identifiers: Orphanet 581, Orphanet 79269, MedGen C0086647, MONDO:0009655, OMIM 252900.
SGSH-related disorder. Also called: SGSH-related condition.

Submissions (5):

Labcorp Genetics (formerly Invitae), Labcorp
Classification: Pathogenic for Mucopolysaccharidosis, MPS-III-A. Last evaluated: 2023-03-09. Review status: criteria provided, single submitter. Criteria: Invitae Variant Classification Sherloc (09022015). Collection method: clinical testing. Allele origin: germline.
Comment: ClinVar contains an entry for this variant (Variation ID: 556145). This variant has not been reported in the literature in individuals affected with SGSH-related conditions. This variant is not present in population databases (gnomAD no frequency). This sequence change results in a frameshift in the SGSH gene (p.Leu461Trpfs*130). While this is not anticipated to result in nonsense mediated decay, it is expected to disrupt the last 42 amino acid(s) of the SGSH protein and extend the protein by 87 additional amino acid residues. This variant disrupts a region of the SGSH protein in which other variant(s) (p.Trp479*) have been determined to be pathogenic (PMID: 21204211). This suggests that this is a clinically significant region of the protein, and that variants that disrupt it are likely to be disease-causing. For these reasons, this variant has been classified as Pathogenic.

Baylor Genetics
Classification: Likely pathogenic for Mucopolysaccharidosis, MPS-III-A. Last evaluated: 2022-12-05. Review status: criteria provided, single submitter. Criteria: ACMG Guidelines, 2015. Collection method: clinical testing. Allele origin: unknown.

Blueprint Genetics
Classification: Likely pathogenic for SGSH-related disorders. Last evaluated: 2022-06-06. Review status: criteria provided, single submitter. Criteria: ACMG Guidelines, 2015. Collection method: clinical testing. Allele origin: germline. Affected: yes. Observed: 1 variant allele.

Genome-Nilou Lab
Classification: Uncertain significance for Mucopolysaccharidosis, MPS-III-A. Last evaluated: 2021-11-07. Review status: criteria provided, single submitter. Criteria: ACMG Guidelines, 2015. Collection method: clinical testing. Allele origin: germline. Affected: no.

Counsyl
Classification: Likely pathogenic for Mucopolysaccharidosis, MPS-III-A. Last evaluated: 2018-01-16. Review status: no assertion criteria provided. Collection method: clinical testing. Allele origin: unknown. Not counted in ClinVar's aggregate classification.

Literature cited by the submitters: PubMed 21204211 (cited by Labcorp Genetics (formerly Invitae), Labcorp).

NM_000199.5(SGSH):c.1380del (p.Leu461fs)

Gene: SGSH (N-sulfoglucosamine sulfohydrolase; minus strand). Cytogenetic location: 17q25.3.
Variant type: Deletion.
Coding change: c.1380del on transcript NM_000199.5 (MANE Select); coding-DNA position 1380, one base deleted (T; older notation c.1380delT).
Protein change: p.Leu461fs; shifts the reading frame from leucine 461.
Molecular consequence: frameshift variant. On other transcripts: 3 prime UTR variant (2), non-coding transcript variant (1).
Genome position (GRCh38, 1-based): chr17:80,210,581, A deleted on the plus strand (T on the coding strand, the reverse complement: SGSH is on the minus strand); the first of 2 consecutive A bases (chr17:80,210,581-80,210,582); deleting either gives the same sequence. VCF-style (leftmost placement, unchanged base first): chr17-80210580-GA-G. GRCh37 (hg19) VCF-style: chr17-78184379-GA-G.
Other names: c.*467del (NM_001352921.3); c.*430del (NM_001352922.2); short protein forms L461fs.
Identifiers: ClinVar variation 556145 (VCV000556145.15), dbSNP rs1555620092, ClinGen allele CA502404413.